The following is an entry in ClinVar:

NM_020759.3(STARD9):c.8314A>G (p.Ile2772Val)

Gene: STARD9 (StAR related lipid transfer domain containing 9; plus strand). Cytogenetic location: 15q15.2.
Variant type: single nucleotide variant.
Coding change: c.8314A>G on transcript NM_020759.3 (MANE Select); coding-DNA position 8314, A replaced by G.
Protein change: p.Ile2772Val; replaces isoleucine 2772 with valine.
Molecular consequence: missense variant.
Genome position (GRCh38, 1-based): chr15:42,689,892, A>G. VCF-style: chr15-42689892-A-G. GRCh37 (hg19) VCF-style: chr15-42982090-A-G.
Other names: short protein forms I2772V.
Identifiers: ClinVar variation 712187 (VCV000712187.28), dbSNP rs202077402, ClinGen allele CA7514584.

ClinVar aggregate classification (germline): Likely benign. Review status: criteria provided, multiple submitters, no conflicts (2 of 4 stars). 3 submissions from 3 submitters: Likely benign (3). Last evaluated 2022-12-01.

Allele frequency attached by ClinVar (database versions not stated): 1000 Genomes Project 0.00060; 1000 Genomes Project 30x 0.00078; ESP Exome Variant Server 0.00153; TOPMed 0.00252; gnomAD 0.00287 and 0.00289; gnomAD exomes 0.00342 and 0.00370; ExAC 0.00394.
gnomAD v4.1: 5,519 of 1,537,668 alleles (0.36%); highest among the groups gnomAD compares: Non-Finnish European, 0.41%; 19 homozygotes.

Submissions (3):

CeGaT Center for Human Genetics Tuebingen
Classification: Likely benign. Last evaluated: 2022-12-01. Review status: criteria provided, single submitter. Criteria: CeGaT Center For Human Genetics Tuebingen Variant Classification Criteria Version 2. Collection method: clinical testing. Allele origin: germline. Affected: yes. Observed: 2 variant alleles.
Comment: STARD9: BP4, BS2

Labcorp Genetics (formerly Invitae), Labcorp
Classification: Likely benign. Last evaluated: 2018-05-18. Review status: criteria provided, single submitter. Criteria: Invitae Variant Classification Sherloc (09022015). Collection method: clinical testing. Allele origin: germline.

Breakthrough Genomics
Classification: Likely benign. Review status: criteria provided, single submitter. Criteria: ACMG Guidelines, 2015. Collection method: not provided. Allele origin: germline. Inheritance: Unknown mechanism. Affected: yes.